The following is an entry in ClinVar:

ClinVar aggregate classification (germline): Benign/Likely benign. Review status: criteria provided, multiple submitters, no conflicts (2 of 4 stars). 4 submissions from 4 submitters: Benign (1); Likely benign (3). Last evaluated 2025-01-28.

Conditions:
Hereditary cancer-predisposing syndrome. Also called: Tumor predisposition; Neoplastic Syndromes, Hereditary; Hereditary Cancer Syndrome; Hereditary neoplastic syndrome. Identifiers: Orphanet 140162, MedGen C0027672, MeSH D009386, MONDO:0015356.
Lynch syndrome 4 (LYNCH4). Also called: Hereditary non-polyposis colorectal cancer, type 4; Colorectal cancer, hereditary nonpolyposis, type 4. Identifiers: Orphanet 144, MedGen C1838333, MONDO:0013699, OMIM 614337. Disease mechanism: loss of function.
Hereditary nonpolyposis colorectal neoplasms. Identifiers: MedGen C0009405, MeSH D003123.

gnomAD v4.1: 3 of 1,613,698 alleles (0.00019%); highest among the groups gnomAD compares: South Asian, 0.0033%; no homozygotes.

Submissions (4):

Myriad Genetics, Inc.
Classification: Benign for Lynch syndrome 4. Last evaluated: 2025-01-28. Review status: criteria provided, single submitter. Criteria: Myriad Autosomal Dominant, Autosomal Recessive and X-Linked Classification Criteria (2023). Collection method: clinical testing. Allele origin: unknown.
Comment: This variant is considered benign. This variant is a silent/synonymous amino acid change and it is not expected to impact splicing.

Labcorp Genetics (formerly Invitae), Labcorp
Classification: Likely benign for Hereditary nonpolyposis colorectal neoplasms. Last evaluated: 2024-08-17. Review status: criteria provided, single submitter. Criteria: Invitae Variant Classification Sherloc (09022015). Collection method: clinical testing. Allele origin: germline.

Color Diagnostics, LLC DBA Color Health
Classification: Likely benign for Hereditary cancer-predisposing syndrome. Last evaluated: 2022-04-05. Review status: criteria provided, single submitter. Criteria: ACMG Guidelines, 2015. Collection method: clinical testing. Allele origin: germline.

Ambry Genetics
Classification: Likely benign for Hereditary cancer-predisposing syndrome. Last evaluated: 2019-03-05. Review status: criteria provided, single submitter. Criteria: Ambry Variant Classification Scheme 2023. Collection method: clinical testing. Allele origin: germline.

NM_000535.7(PMS2):c.849T>C (p.Ser283=)

Gene: PMS2 (PMS1 homolog 2, mismatch repair system component; minus strand). Cytogenetic location: 7p22.1.
Variant type: single nucleotide variant.
Coding change: c.849T>C on transcript NM_000535.7 (MANE Select); coding-DNA position 849, T replaced by C.
Protein change: p.Ser283=; no amino-acid change (serine 283 retained).
Molecular consequence: synonymous variant. On other transcripts: 5 prime UTR variant (2), non-coding transcript variant (1).
Genome position (GRCh38, 1-based): chr7:5,995,588, A>G on the plus strand (T>C on the coding strand, the complement: PMS2 is on the minus strand). VCF-style: chr7-5995588-A-G. GRCh37 (hg19) VCF-style: chr7-6035219-A-G.
Other names: c.444T>C, p.Ser148= (NM_001322003.2, NM_001322004.2, NM_001322005.2 and 2 more transcripts); c.849T>C, p.Ser283= (NM_001322006.2, NM_001322014.2); c.531T>C, p.Ser177= (NM_001322007.2, NM_001322008.2); c.-85T>C (NM_001322011.2, NM_001322012.2); c.276T>C, p.Ser92= (NM_001322013.2); c.540T>C, p.Ser180= (NM_001322015.2).
Identifiers: ClinVar variation 799518 (VCV000799518.17), dbSNP rs1277038817, ClinGen allele CA4150124.